The following is an entry in ClinVar:

NM_020812.4(DOCK6):c.377+12_377+13delinsAC

Gene: DOCK6 (dedicator of cytokinesis 6; minus strand). Cytogenetic location: 19p13.2.
Variant type: Indel.
Coding change: c.377+12_377+13delinsAC on transcript NM_020812.4 (MANE Select); bases 12 to 13 of the intron after coding-DNA position 377, TT replaced by AC.
Molecular consequence: intron variant.
Genome position (GRCh38, 1-based): chr19:11,252,469-11,252,470, AA replaced by GT on the plus strand (TT replaced by AC on the coding strand, the reverse complement: DOCK6 is on the minus strand). VCF-style: chr19-11252469-AA-GT. GRCh37 (hg19) VCF-style: chr19-11363145-AA-GT.
Other names: c.377+12_377+13delinsAC (NM_001367830.1).
Identifiers: ClinVar variation 2077371 (VCV002077371.4), dbSNP rs2513206547, ClinGen allele CA2580096412.

ClinVar aggregate classification (germline): Uncertain significance (1 of 4 stars; one submission).

Submission:

Labcorp Genetics (formerly Invitae), Labcorp
Classification: Uncertain significance. Last evaluated: 2022-06-11. Review status: criteria provided, single submitter. Criteria: Invitae Variant Classification Sherloc (09022015). Collection method: clinical testing. Allele origin: germline.
Comment: This sequence change falls in intron 4 of the DOCK6 gene. It does not directly change the encoded amino acid sequence of the DOCK6 protein. In summary, the available evidence is currently insufficient to determine the role of this variant in disease. Therefore, it has been classified as a Variant of Uncertain Significance. Experimental studies and prediction algorithms are not available or were not evaluated, and the effect of this variant on mRNA splicing is currently unknown. This variant has not been reported in the literature in individuals affected with DOCK6-related conditions. Information on the frequency of this variant in the gnomAD database is not available, as this variant may be reported differently in the database.